The following is an entry in ClinVar:

ClinVar aggregate classification (germline): Pathogenic (1 of 4 stars; one submission).

Conditions:
Phenylketonuria (PKU). Also called: FOLLING DISEASE; OLIGOPHRENIA PHENYLPYRUVICA; Phenylketonurias; Phenylketonuria (PKU). Identifiers: Orphanet 716, MedGen C0031485, MONDO:0009861, OMIM 261600. Disease mechanism: loss of function.

Submission:

Labcorp Genetics (formerly Invitae), Labcorp
Classification: Pathogenic for Phenylketonuria. Last evaluated: 2024-01-29. Review status: criteria provided, single submitter. Criteria: Invitae Variant Classification Sherloc (09022015). Collection method: clinical testing. Allele origin: unknown.
Comment: This variant is a gross deletion of the genomic region encompassing exon(s) 3 of the PAH gene. This deletion is out-of-frame, and is expected to create a premature termination codon and result in an absent or disrupted protein product. Loss-of-function variants in PAH are known to be pathogenic (PMID: 1301187, 9634518). A similar copy number variant has been observed in individuals with phenylketonuria (PMID: 16931086, 17221866, 23357515, 24350308, 27175306). For these reasons, this variant has been classified as Pathogenic.

Literature cited by the submitters: PubMed 1301187; PubMed 9634518; PubMed 16931086; PubMed 17221866; PubMed 23357515; PubMed 24350308; PubMed 27175306.

NC_000012.12:g.(?_102894715)_(102894938_?)del

Gene: PAH (phenylalanine hydroxylase; minus strand). Cytogenetic location: 12q23.2.
Variant type: Deletion.
Identifiers: ClinVar variation 3244237 (VCV003244237.1).